The following is an entry in ClinVar:

NM_001378418.1(TCF20):c.4920G>C (p.Lys1640Asn)

Gene: TCF20 (transcription factor 20; minus strand). Cytogenetic location: 22q13.2.
Variant type: single nucleotide variant.
Coding change: c.4920G>C on transcript NM_001378418.1 (MANE Select); coding-DNA position 4920, G replaced by C.
Protein change: p.Lys1640Asn; replaces lysine 1640 with asparagine.
Molecular consequence: missense variant.
Genome position (GRCh38, 1-based): chr22:42,210,386, C>G on the plus strand (G>C on the coding strand, the complement: TCF20 is on the minus strand). VCF-style: chr22-42210386-C-G. GRCh37 (hg19) VCF-style: chr22-42606392-C-G.
Other names: c.4920G>C, p.Lys1640Asn (NM_005650.4, NM_181492.3); short protein forms K1640N.
Identifiers: ClinVar variation 3678665 (VCV003678665.2).

ClinVar aggregate classification (germline): Uncertain significance (1 of 4 stars; one submission).

Submission:

Labcorp Genetics (formerly Invitae), Labcorp
Classification: Uncertain significance. Last evaluated: 2024-10-21. Review status: criteria provided, single submitter. Criteria: Invitae Variant Classification Sherloc (09022015). Collection method: clinical testing. Allele origin: germline.
Comment: This sequence change replaces lysine, which is basic and polar, with asparagine, which is neutral and polar, at codon 1640 of the TCF20 protein (p.Lys1640Asn). This variant is not present in population databases (gnomAD no frequency). This variant has not been reported in the literature in individuals affected with TCF20-related conditions. An algorithm developed to predict the effect of missense changes on protein structure and function (PolyPhen-2) suggests that this variant is likely to be disruptive. In summary, the available evidence is currently insufficient to determine the role of this variant in disease. Therefore, it has been classified as a Variant of Uncertain Significance.